The following is an entry in ClinVar:

ClinVar aggregate classification (germline): Uncertain significance. Review status: criteria provided, multiple submitters, no conflicts (2 of 4 stars). 2 submissions from 2 submitters: Uncertain significance (2). Last evaluated 2024-04-11.

Conditions:
Early-infantile DEE. Also called: Early infantile epileptic encephalopathy; Early infantile epileptic encephalopathy with suppression bursts; Ohtahara syndrome. Identifiers: Orphanet 1934, MedGen C0393706, MONDO:0800491.

Submissions (2):

GeneDx
Classification: Uncertain significance. Last evaluated: 2024-04-11. Review status: criteria provided, single submitter. Criteria: GeneDx Variant Classification Process June 2021. Collection method: clinical testing. Allele origin: germline. Affected: yes.
Comment: Not observed at significant frequency in large population cohorts (gnomAD); In silico analysis supports that this missense variant has a deleterious effect on protein structure/function; This substitution is predicted to be within the transmembrane segment S3 of the fourth homologous domain; Has not been previously published as pathogenic or benign to our knowledge

Labcorp Genetics (formerly Invitae), Labcorp
Classification: Uncertain significance for Early-infantile DEE. Last evaluated: 2023-06-29. Review status: criteria provided, single submitter. Criteria: Invitae Variant Classification Sherloc (09022015). Collection method: clinical testing. Allele origin: germline.
Comment: This sequence change replaces phenylalanine, which is neutral and non-polar, with leucine, which is neutral and non-polar, at codon 1590 of the SCN8A protein (p.Phe1590Leu). This variant is not present in population databases (gnomAD no frequency). This variant has not been reported in the literature in individuals affected with SCN8A-related conditions. Advanced modeling of protein sequence and biophysical properties (such as structural, functional, and spatial information, amino acid conservation, physicochemical variation, residue mobility, and thermodynamic stability) has been performed at Invitae for this missense variant, however the output from this modeling did not meet the statistical confidence thresholds required to predict the impact of this variant on SCN8A protein function. In summary, the available evidence is currently insufficient to determine the role of this variant in disease. Therefore, it has been classified as a Variant of Uncertain Significance.

NM_001330260.2(SCN8A):c.4770C>G (p.Phe1590Leu)

Gene: SCN8A (sodium voltage-gated channel alpha subunit 8; plus strand). Cytogenetic location: 12q13.13.
Variant type: single nucleotide variant.
Coding change: c.4770C>G on transcript NM_001330260.2 (MANE Select); coding-DNA position 4770, C replaced by G.
Protein change: p.Phe1590Leu; replaces phenylalanine 1590 with leucine.
Molecular consequence: missense variant.
Genome position (GRCh38, 1-based): chr12:51,794,616, C>G. VCF-style: chr12-51794616-C-G. GRCh37 (hg19) VCF-style: chr12-52188400-C-G.
Other names: c.4770C>G (NM_014191.3); c.4647C>G, p.Phe1549Leu (NM_001369788.1, NM_001177984.3); c.4770C>G, p.Phe1590Leu (NM_014191.4); short protein forms F1549L, F1590L.
Identifiers: ClinVar variation 2820862 (VCV002820862.4), dbSNP rs368421269, ClinGen allele CA384879334.
Genomic context (GRCh38, chr12:51,794,616, plus strand): 5'-GCTCAAAATGTTTGCGTTGAGGCACTACTACTTCACCATTGGCTGGAACATCTTCGACTT[C>G]GTGGTAGTCATCCTCTCCATTGTGGGTGAGTGGGGTTGGGGAAGTAGGCGAGGGGAAAGG-3'
Protein context (NP_001317189.1, residues 1580-1600): YFTIGWNIFD[Phe1590Leu]VVVILSIVGM